The following is an entry in ClinVar:

ClinVar aggregate classification (germline): Uncertain significance (1 of 4 stars; one submission).

Allele frequency attached by ClinVar (database versions not stated): ExAC 0.00001.

Submission:

Labcorp Genetics (formerly Invitae), Labcorp
Classification: Uncertain significance. Last evaluated: 2023-08-04. Review status: criteria provided, single submitter. Criteria: Invitae Variant Classification Sherloc (09022015). Collection method: clinical testing. Allele origin: germline.
Comment: This sequence change falls in intron 36 of the PRPF8 gene. It does not directly change the encoded amino acid sequence of the PRPF8 protein. It affects a nucleotide within the consensus splice site. ClinVar contains an entry for this variant (Variation ID: 1461609). This variant has not been reported in the literature in individuals affected with PRPF8-related conditions. This variant is not present in population databases (gnomAD no frequency). In summary, the available evidence is currently insufficient to determine the role of this variant in disease. Therefore, it has been classified as a Variant of Uncertain Significance. Variants that disrupt the consensus splice site are a relatively common cause of aberrant splicing (PMID: 17576681, 9536098). Algorithms developed to predict the effect of sequence changes on RNA splicing suggest that this variant is not likely to affect RNA splicing.

Literature cited by the submitters: PubMed 17576681; PubMed 9536098.

NM_006445.4(PRPF8):c.5793+4T>C

Gene: PRPF8 (pre-mRNA processing factor 8; minus strand). Cytogenetic location: 17p13.3.
Variant type: single nucleotide variant.
Coding change: c.5793+4T>C on transcript NM_006445.4 (MANE Select); 4 bases into the intron after coding-DNA position 5793, T replaced by C.
Molecular consequence: intron variant.
Genome position (GRCh38, 1-based): chr17:1,656,388, A>G on the plus strand (T>C on the coding strand, the complement: PRPF8 is on the minus strand). VCF-style: chr17-1656388-A-G. GRCh37 (hg19) VCF-style: chr17-1559682-A-G.
Identifiers: ClinVar variation 1461609 (VCV001461609.6), dbSNP rs756622180, ClinGen allele CA8271349.